The following is an entry in ClinVar:

NM_006648.4(WNK2):c.2080T>G (p.Ser694Ala)

Gene: WNK2 (WNK lysine deficient protein kinase 2; plus strand). Cytogenetic location: 9q22.31.
Variant type: single nucleotide variant.
Coding change: c.2080T>G on transcript NM_006648.4 (MANE Select); coding-DNA position 2080, T replaced by G.
Protein change: p.Ser694Ala; replaces serine 694 with alanine.
Molecular consequence: missense variant.
Genome position (GRCh38, 1-based): chr9:93,256,344, T>G. VCF-style: chr9-93256344-T-G. GRCh37 (hg19) VCF-style: chr9-96018626-T-G.
Other names: c.2080T>G, p.Ser694Ala (NM_001282394.3); short protein forms S694A.
Identifiers: ClinVar variation 3817234 (VCV003817234.1).

ClinVar aggregate classification (germline): Uncertain significance (1 of 4 stars; one submission).

Submission:

Ambry Genetics
Classification: Uncertain significance. Last evaluated: 2025-03-08. Review status: criteria provided, single submitter. Criteria: Ambry Variant Classification Scheme 2023. Collection method: clinical testing. Allele origin: germline.
Comment: The p.S694A variant (also known as c.2080T>G), located in coding exon 9 of the WNK2 gene, results from a T to G substitution at nucleotide position 2080. The serine at codon 694 is replaced by alanine, an amino acid with similar properties. This amino acid position is conserved. In addition, this alteration is predicted to be tolerated by in silico analysis. Based on the available evidence, the clinical significance of this variant remains unclear.